The following is an entry in ClinVar:

ClinVar aggregate classification (germline): Likely benign (1 of 4 stars; one submission).

Allele frequency attached by ClinVar (database versions not stated): gnomAD exomes 0.00005; ExAC 0.00007; gnomAD 0.00013.
gnomAD v4.1: 89 of 1,614,160 alleles (0.0055%); highest among the groups gnomAD compares: Middle Eastern, 0.033%; no homozygotes.

Submission:

CeGaT Center for Human Genetics Tuebingen
Classification: Likely benign. Last evaluated: 2022-06-01. Review status: criteria provided, single submitter. Criteria: CeGaT Center For Human Genetics Tuebingen Variant Classification Criteria Version 2. Collection method: clinical testing. Allele origin: germline. Affected: yes. Observed: 1 variant allele.
Comment: ZNF557: BP4, BP7

NM_024341.3(ZNF557):c.909G>A (p.Thr303=)

Gene: ZNF557 (zinc finger protein 557; plus strand). Cytogenetic location: 19p13.2.
Variant type: single nucleotide variant.
Coding change: c.909G>A on transcript NM_024341.3 (MANE Select); coding-DNA position 909, G replaced by A.
Protein change: p.Thr303=; no amino-acid change (threonine 303 retained).
Molecular consequence: synonymous variant.
Genome position (GRCh38, 1-based): chr19:7,083,360, G>A. VCF-style: chr19-7083360-G-A. GRCh37 (hg19) VCF-style: chr19-7083371-G-A.
Other names: c.909G>A, p.Thr303= (NM_001044387.2); c.888G>A, p.Thr296= (NM_001044388.2).
Identifiers: ClinVar variation 2649152 (VCV002649152.24), dbSNP rs747099866, ClinGen allele CA9134957.